The following is an entry in ClinVar:

ClinVar aggregate classification (germline): Uncertain significance (1 of 4 stars; one submission).

Conditions:
Insulin-dependent diabetes mellitus secretory diarrhea syndrome (IPEX). Also called: ENTEROPATHY, AUTOIMMUNE, WITH HEMOLYTIC ANEMIA AND POLYENDOCRINOPATHY; IMMUNODEFICIENCY, POLYENDOCRINOPATHY, AND ENTEROPATHY, X-LINKED; Immunodysregulation, polyendocrinopathy, and enteropathy, X-linked; DIABETES MELLITUS, CONGENITAL INSULIN-DEPENDENT, WITH FATAL SECRETORY DIARRHEA; DIARRHEA, POLYENDOCRINOPATHY, FATAL INFECTION SYNDROME, X-LINKED; Immune dysregulation-polyendocrinopathy-enteropathy-X-linked syndrome. Identifiers: Orphanet 37042, MedGen C0342288, MONDO:0010580, OMIM 304790. Disease mechanism: loss of function.

Submission:

Labcorp Genetics (formerly Invitae), Labcorp
Classification: Uncertain significance for Insulin-dependent diabetes mellitus secretory diarrhea syndrome. Last evaluated: 2021-08-07. Review status: criteria provided, single submitter. Criteria: Invitae Variant Classification Sherloc (09022015). Collection method: clinical testing. Allele origin: germline.
Comment: In summary, the available evidence is currently insufficient to determine the role of this variant in disease. Therefore, it has been classified as a Variant of Uncertain Significance. Algorithms developed to predict the effect of missense changes on protein structure and function are either unavailable or do not agree on the potential impact of this missense change (SIFT: "Deleterious"; PolyPhen-2: "Benign"; Align-GVGD: "Class C0"). This variant has not been reported in the literature in individuals affected with FOXP3-related conditions. This variant is not present in population databases (ExAC no frequency). This sequence change replaces lysine with threonine at codon 227 of the FOXP3 protein (p.Lys227Thr). The lysine residue is highly conserved and there is a moderate physicochemical difference between lysine and threonine.

NM_014009.4(FOXP3):c.680A>C (p.Lys227Thr)

Gene: FOXP3 (forkhead box P3; minus strand). Cytogenetic location: Xp11.23.
Variant type: single nucleotide variant.
Coding change: c.680A>C on transcript NM_014009.4 (MANE Select); coding-DNA position 680, A replaced by C.
Protein change: p.Lys227Thr; replaces lysine 227 with threonine.
Molecular consequence: missense variant.
Genome position (GRCh38, 1-based): chrX:49,255,770, T>G on the plus strand (A>C on the coding strand, the complement: FOXP3 is on the minus strand). VCF-style: chrX-49255770-T-G. GRCh37 (hg19) VCF-style: chrX-49112231-T-G.
Other names: c.575A>C, p.Lys192Thr (NM_001114377.2); short protein forms K227T, K192T.
Identifiers: ClinVar variation 1424967 (VCV001424967.6), dbSNP rs2147947523, ClinGen allele CA412951178.